The following is an entry in ClinVar:

NM_144573.4(NEXN):c.1810A>G (p.Lys604Glu)

Gene: NEXN (nexilin F-actin binding protein; plus strand). Cytogenetic location: 1p31.1.
Variant type: single nucleotide variant.
Coding change: c.1810A>G on transcript NM_144573.4 (MANE Select); coding-DNA position 1810, A replaced by G.
Protein change: p.Lys604Glu; replaces lysine 604 with glutamic acid.
Molecular consequence: missense variant.
Genome position (GRCh38, 1-based): chr1:77,942,611, A>G. VCF-style: chr1-77942611-A-G. GRCh37 (hg19) VCF-style: chr1-78408296-A-G.
Other names: c.1810A>G (NM_144573.3); c.1618A>G, p.Lys540Glu (NM_001172309.2); short protein forms K540E, K604E.
Identifiers: ClinVar variation 1299939 (VCV001299939.4), dbSNP rs1441395532, ClinGen allele CA340882760.

ClinVar aggregate classification (germline): Uncertain significance. Review status: criteria provided, single submitter (1 of 4 stars). 3 submissions from 3 submitters: Uncertain significance (1). 2 of the submissions do not count toward it. Last evaluated 2025-03-20.

Conditions:
NEXN-related disorder. Also called: NEXN-related condition; NEXN-related disorders.

Allele frequency attached by ClinVar (database versions not stated): gnomAD exomes below 0.00001 and 0.00001.
gnomAD v4.1: 2 of 1,613,894 alleles (0.00012%); highest among the groups gnomAD compares: Admixed American, 0.0017%; no homozygotes.

Submissions (3):

PreventionGenetics, part of Exact Sciences
Classification: Uncertain significance for NEXN-related condition. Last evaluated: 2025-03-20. Review status: criteria provided, single submitter. Criteria: ACMG Guidelines, 2015. Collection method: clinical testing. Allele origin: germline.
Comment: The NEXN c.1810A>G variant is predicted to result in the amino acid substitution p.Lys604Glu. To our knowledge, this variant has not been reported in the literature. This variant is reported in 0.0029% of alleles in individuals of Latino descent in gnomAD. At this time, the clinical significance of this variant is uncertain due to the absence of conclusive functional and genetic evidence.

Clinical Genetics, Academic Medical Center
Classification: Uncertain significance. Review status: no assertion criteria provided. Collection method: clinical testing. Allele origin: germline. Affected: yes. Study: VKGL Data-share Consensus. Not counted in ClinVar's aggregate classification.

Joint Genome Diagnostic Labs from Nijmegen and Maastricht, Radboudumc and MUMC+
Classification: Uncertain significance. Review status: no assertion criteria provided. Collection method: clinical testing. Allele origin: germline. Affected: yes. Study: VKGL Data-share Consensus. Not counted in ClinVar's aggregate classification.